The following is an entry in ClinVar:

NM_001005242.3(PKP2):c.1379-1997G>A

Gene: PKP2 (plakophilin 2; minus strand). Cytogenetic location: 12p11.21.
Variant type: single nucleotide variant.
Coding change: c.1379-1997G>A on transcript NM_001005242.3 (MANE Select); 1997 bases into the intron before coding-DNA position 1379, G replaced by A.
Molecular consequence: intron variant. On other transcripts: missense variant (1).
Genome position (GRCh38, 1-based): chr12:32,843,202, C>T on the plus strand (G>A on the coding strand, the complement: PKP2 is on the minus strand). VCF-style: chr12-32843202-C-T. GRCh37 (hg19) VCF-style: chr12-32996136-C-T.
Other names: c.1490G>A, p.Arg497Gln (NM_004572.4); short protein forms R497Q.
Identifiers: ClinVar variation 308508 (VCV000308508.31), dbSNP rs781072699, ClinGen allele CA028713.
Genomic context (GRCh38, chr12:32,843,202, plus strand): 5'-GCTAATTTTTTTGTATTTTGAGTAGAGACAGGGGTCTCACCATGTTGGTCAGGCTGGTCT[C>T]GAACTCCTGACCTCGTGATCCGCCCGCCTTGGCCTCCCAAAGTGCTGGGATTACAGGCGT-3'

ClinVar aggregate classification (germline): Conflicting classifications of pathogenicity. Review status: criteria provided, conflicting classifications (1 of 4 stars). 6 submissions from 6 submitters: Uncertain significance (1); Likely benign (5). Last evaluated 2026-09-01.

Conditions:
Cardiovascular phenotype. Identifiers: MedGen CN230736.
Arrhythmogenic right ventricular cardiomyopathy (ARVD). Also called: Arrhythmogenic right ventricular dysplasia; Arrhythmogenic cardiomyopathy; Cardiomyopathy, ARVC; Arrhythmogenic Right Ventricular Cardiomyopathy (ARVC). Identifiers: Orphanet 247, MedGen C0349788, MeSH D019571, MONDO:0016587. Disease mechanism: loss of function. Inheritance: Various modes of inheritance.
Arrhythmogenic right ventricular dysplasia 9 (ARVD9). Also called: ARRHYTHMOGENIC RIGHT VENTRICULAR DYSPLASIA, FAMILIAL, 9; Arrhythmogenic Right Ventricular Dysplasia/Cardiomyopathy 9. Identifiers: MedGen C1836906, MONDO:0012180, OMIM 609040.
Cardiomyopathy (CMYO). Also called: Cardiomyopathies. Identifiers: Orphanet 167848, MedGen C0878544, MONDO:0004994, HP:0001638. Inheritance: Various modes of inheritance.

Allele frequency attached by ClinVar (database versions not stated): gnomAD 0.00003 and 0.00004; gnomAD exomes 0.00009 and 0.00014; TOPMed 0.00011; ExAC 0.00019.
gnomAD v4.1: 43 of 575,544 alleles (0.0075%); highest among the groups gnomAD compares: Admixed American, 0.069%; no homozygotes.

Submissions (6):

CeGaT Center for Human Genetics Tuebingen
Classification: Likely benign. Last evaluated: 2026-09-01. Review status: criteria provided, single submitter. Criteria: CeGaT Center For Human Genetics Tuebingen Variant Classification Criteria Version 2. Collection method: clinical testing. Allele origin: germline. Affected: yes. Observed: 2 variant alleles.
Comment: PKP2: BP4

Labcorp Genetics (formerly Invitae), Labcorp
Classification: Likely benign for Arrhythmogenic right ventricular dysplasia 9. Last evaluated: 2026-01-26. Review status: criteria provided, single submitter. Criteria: Invitae Variant Classification Sherloc (09022015). Collection method: clinical testing. Allele origin: germline.

All of Us Research Program, National Institutes of Health
Classification: Likely benign for Arrhythmogenic right ventricular cardiomyopathy. Last evaluated: 2024-01-03. Review status: criteria provided, single submitter. Criteria: ACMG Guidelines, 2015. Collection method: clinical testing. Allele origin: germline. Inheritance: Autosomal dominant inheritance. Observed: 9 variant alleles, 9 heterozygotes.
Comment: Variant of Uncertain Significance due to insufficient evidence: This missense variant replaces arginine with glutamine at codon 497 of the PKP2 protein. Computational prediction tools and conservation analyses suggest that this variant may not impact the protein function. Computational splicing tools suggest that this variant may not impact RNA splicing. To our knowledge, functional assays have not been performed for this variant nor has this variant been reported in individuals affected with cardiovascular disorders in the literature. This variant has been identified in 29/211754 chromosomes in the general population by the Genome Aggregation Database (gnomAD). Available evidence is insufficient to determine the role of this variant in disease conclusively.

This study involves interpretation of variants in research participants for the purpose of population health screening. Participant phenotype was not available at the time of variant classification. Additional details can be found in publication PMID: 35346344, PMCID: PMC8962531

Color Diagnostics, LLC DBA Color Health
Classification: Likely benign for Cardiomyopathy. Last evaluated: 2023-05-09. Review status: criteria provided, single submitter. Criteria: ACMG Guidelines, 2015. Collection method: clinical testing. Allele origin: germline.

Ambry Genetics
Classification: Likely benign for Cardiovascular phenotype. Last evaluated: 2021-05-13. Review status: criteria provided, single submitter. Criteria: Ambry Variant Classification Scheme 2023. Collection method: clinical testing. Allele origin: germline.

Illumina Laboratory Services, Illumina
Classification: Uncertain significance for Arrhythmogenic right ventricular dysplasia 9. Last evaluated: 2018-01-13. Review status: criteria provided, single submitter. Criteria: ICSL Variant Classification Criteria 13 December 2019. Collection method: clinical testing. Allele origin: germline.